The following is an entry in ClinVar:

NM_004655.4(AXIN2):c.1988G>A (p.Trp663Ter)

Gene: AXIN2 (axin 2; minus strand). Cytogenetic location: 17q24.1.
Variant type: single nucleotide variant.
Coding change: c.1988G>A on transcript NM_004655.4 (MANE Select); coding-DNA position 1988, G replaced by A.
Protein change: p.Trp663Ter; replaces tryptophan 663 with a stop codon.
Molecular consequence: nonsense.
Genome position (GRCh38, 1-based): chr17:65,536,473, C>T on the plus strand (G>A on the coding strand, the complement: AXIN2 is on the minus strand). VCF-style: chr17-65536473-C-T. GRCh37 (hg19) VCF-style: chr17-63532591-C-T.
Other names: c.1793G>A, p.Trp598Ter (NM_001363813.1); short protein forms W598*, W663*.
Identifiers: ClinVar variation 2583435 (VCV002583435.6), dbSNP rs761870581, ClinGen allele CA400676203.

ClinVar aggregate classification (germline): Pathogenic/Likely pathogenic. Review status: criteria provided, multiple submitters, no conflicts (2 of 4 stars). 3 submissions from 3 submitters: Pathogenic (2); Likely pathogenic (1). Last evaluated 2025-04-11.

Conditions:
Oligodontia-cancer predisposition syndrome. Also called: TOOTH AGENESIS-COLORECTAL CANCER SYNDROME. Identifiers: Orphanet 300576, MedGen C1837750, MONDO:0012075, OMIM 608615. Disease mechanism: loss of function.

Submissions (3):

Institute of Human Genetics, Heidelberg University
Classification: Likely pathogenic for Oligodontia-cancer predisposition syndrome. Last evaluated: 2025-04-11. Review status: criteria provided, single submitter. Criteria: ACMG Guidelines, 2015. Collection method: clinical testing. Allele origin: maternal. Affected: yes. Observed: 2 variant alleles.
Comment: PVS1_vs, PM2_supp

Myriad Genetics, Inc.
Classification: Pathogenic for Oligodontia-cancer predisposition syndrome. Last evaluated: 2023-05-17. Review status: criteria provided, single submitter. Criteria: Myriad Autosomal Dominant, Autosomal Recessive and X-Linked Classification Criteria (2023). Collection method: clinical testing. Allele origin: unknown.
Comment: This variant is considered pathogenic. This variant creates a termination codon and is predicted to result in premature protein truncation.

Labcorp Genetics (formerly Invitae), Labcorp
Classification: Pathogenic for Oligodontia-cancer predisposition syndrome. Last evaluated: 2023-05-08. Review status: criteria provided, single submitter. Criteria: Invitae Variant Classification Sherloc (09022015). Collection method: clinical testing. Allele origin: germline.
Comment: For these reasons, this variant has been classified as Pathogenic. This premature translational stop signal has been observed in individual(s) with clinical features of AXIN2-related conditions (PMID: 21416598). It has also been observed to segregate with disease in related individuals. This variant is not present in population databases (gnomAD no frequency). This sequence change creates a premature translational stop signal (p.Trp663*) in the AXIN2 gene. It is expected to result in an absent or disrupted protein product. Loss-of-function variants in AXIN2 are known to be pathogenic (PMID: 15042511, 21416598).

Literature cited by the submitters: PubMed 21416598 (cited by Labcorp Genetics (formerly Invitae), Labcorp); PubMed 15042511 (cited by Labcorp Genetics (formerly Invitae), Labcorp).